The following is an entry in ClinVar:

ClinVar aggregate classification (germline): Uncertain significance. Review status: criteria provided, multiple submitters, no conflicts (2 of 4 stars). 4 submissions from 4 submitters: Uncertain significance (4). Last evaluated 2025-09-09.

Conditions:
Juvenile polyposis syndrome (JPS). Identifiers: Orphanet 2929, MedGen C0345893, MONDO:0017380, OMIM 174900.
Hereditary cancer-predisposing syndrome. Also called: Neoplastic Syndromes, Hereditary; Hereditary neoplastic syndrome; Hereditary Cancer Syndrome; Tumor predisposition. Identifiers: Orphanet 140162, MedGen C0027672, MeSH D009386, MONDO:0015356.
Familial thoracic aortic aneurysm and aortic dissection (TAAD). Also called: Thoracic aortic aneurysms and dissections. Identifiers: Orphanet 91387, MedGen C4707243, MONDO:0019625.
Juvenile polyposis/hereditary hemorrhagic telangiectasia syndrome (JPHT). Also called: JP/HHT SYNDROME; JUVENILE POLYPOSIS WITH HEREDITARY HEMORRHAGIC TELANGIECTASIA; POLYPOSIS, GENERALIZED JUVENILE, WITH PULMONARY ARTERIOVENOUS MALFORMATION; TELANGIECTASIA, HEREDITARY HEMORRHAGIC, WITH JUVENILE POLYPOSIS COLI; Juvenile Polyposis Syndrome / Hereditary Hemorrhagic Telangiectasia (JPS/HHT). Identifiers: Orphanet 2929, MedGen C1832942, MONDO:0008278, OMIM 175050.

Submissions (4):

Ambry Genetics
Classification: Uncertain significance for Hereditary cancer-predisposing syndrome; Familial thoracic aortic aneurysm and aortic dissection. Last evaluated: 2025-09-09. Review status: criteria provided, single submitter. Criteria: Ambry Variant Classification Scheme 2023. Collection method: clinical testing. Allele origin: germline.
Comment: The p.I182V variant (also known as c.544A>G), located in coding exon 4 of the SMAD4 gene, results from an A to G substitution at nucleotide position 544. The isoleucine at codon 182 is replaced by valine, an amino acid with highly similar properties. This amino acid position is highly conserved in available vertebrate species. In addition, the in silico prediction for this alteration is inconclusive. Based on the available evidence, the clinical significance of this variant remains unclear.

Labcorp Genetics (formerly Invitae), Labcorp
Classification: Uncertain significance for Juvenile polyposis syndrome. Last evaluated: 2024-02-13. Review status: criteria provided, single submitter. Criteria: Invitae Variant Classification Sherloc (09022015). Collection method: clinical testing. Allele origin: germline.
Comment: This sequence change replaces isoleucine, which is neutral and non-polar, with valine, which is neutral and non-polar, at codon 182 of the SMAD4 protein (p.Ile182Val). This variant is not present in population databases (gnomAD no frequency). This variant has not been reported in the literature in individuals affected with SMAD4-related conditions. ClinVar contains an entry for this variant (Variation ID: 850013). Advanced modeling of protein sequence and biophysical properties (such as structural, functional, and spatial information, amino acid conservation, physicochemical variation, residue mobility, and thermodynamic stability) performed at Invitae indicates that this missense variant is not expected to disrupt SMAD4 protein function with a negative predictive value of 95%. In summary, the available evidence is currently insufficient to determine the role of this variant in disease. Therefore, it has been classified as a Variant of Uncertain Significance.

All of Us Research Program, National Institutes of Health
Classification: Uncertain significance for Juvenile polyposis/hereditary hemorrhagic telangiectasia syndrome. Last evaluated: 2023-02-24. Review status: criteria provided, single submitter. Criteria: ACMG Guidelines, 2015. Collection method: clinical testing. Allele origin: germline. Inheritance: Autosomal dominant inheritance. Observed: 1 variant allele, 1 heterozygote.
Comment: This missense variant replaces isoleucine with valine at codon 182 of the SMAD4 protein. Computational prediction suggests that this variant may not impact protein structure and function (internally defined REVEL score threshold <= 0.5, PMID: 27666373). To our knowledge, functional studies have not been reported for this variant. This variant has not been reported in individuals affected with SMAD4-related disorders in the literature. This variant has not been identified in the general population by the Genome Aggregation Database (gnomAD). The available evidence is insufficient to determine the role of this variant in disease conclusively. Therefore, this variant is classified as a Variant of Uncertain Significance.

This study involves interpretation of variants in research participants for the purpose of population health screening. Participant phenotype was not available at the time of variant classification. Additional details can be found in publication PMID: 35346344, PMCID: PMC8962531

Sema4
Classification: Uncertain significance for Hereditary cancer-predisposing syndrome. Last evaluated: 2021-06-03. Review status: criteria provided, single submitter. Criteria: Sema4 Curation Guidelines. Collection method: curation. Allele origin: germline.
Comment: The SMAD4 c.544A>G (p.I182V) variant has not been reported in the literature to our knowledge. It was not observed in the large and broad cohorts of the Genome Aggregation Database (PMID: 32461654). The variant has been reported in ClinVar (Variation ID: 850013). In silico tools suggest the impact of the variant on protein function is inconclusive, though these predictions have not been confirmed by functional studies. The evidence is insufficient to meet ACMG/AMP criteria for classifying the variant as benign or pathogenic. Thus, the clinical significance of this variant is currently uncertain.

NM_005359.6(SMAD4):c.544A>G (p.Ile182Val)

Gene: SMAD4 (SMAD family member 4; plus strand). Cytogenetic location: 18q21.2.
Variant type: single nucleotide variant.
Coding change: c.544A>G on transcript NM_005359.6 (MANE Select); coding-DNA position 544, A replaced by G.
Protein change: p.Ile182Val; replaces isoleucine 182 with valine.
Molecular consequence: missense variant.
Genome position (GRCh38, 1-based): chr18:51,054,870, A>G. VCF-style: chr18-51054870-A-G. GRCh37 (hg19) VCF-style: chr18-48581240-A-G.
Other names: short protein forms I182V.
Identifiers: ClinVar variation 850013 (VCV000850013.14), dbSNP rs1909797996, ClinGen allele CA402460900.